The following is an entry in ClinVar:

ClinVar aggregate classification (germline): Uncertain significance. Review status: criteria provided, multiple submitters, no conflicts (2 of 4 stars). 2 submissions from 2 submitters: Uncertain significance (2). Last evaluated 2022-06-02.

Conditions:
Inborn genetic diseases. Identifiers: MedGen C0950123, MeSH D030342.
Autosomal recessive limb-girdle muscular dystrophy type 2O. Also called: Limb-Girdle Muscular Dystrophy Type 3C; MUSCULAR DYSTROPHY-DYSTROGLYCANOPATHY (LIMB-GIRDLE), TYPE C, 3; MUSCULAR DYSTROPHY-DYSTROGLYCANOPATHY, LIMB-GIRDLE, POMGNT1-RELATED. Identifiers: Orphanet 206564, MedGen C3150417, MONDO:0013161, OMIM 613157.
Muscular dystrophy-dystroglycanopathy (congenital with impaired intellectual development), type B, 3. Also called: MUSCULAR DYSTROPHY, CONGENITAL, POMGNT1-RELATED; Muscular dystrophy-dystroglycanopathy (congenital with intellectual disability), type B3. Identifiers: MedGen C3150412, MONDO:0013155, OMIM 613151.

Allele frequency attached by ClinVar (database versions not stated): ExAC 0.00002; ESP Exome Variant Server 0.00008; TOPMed 0.00001.
gnomAD v4.1: 15 of 1,614,188 alleles (0.00093%); highest among the groups gnomAD compares: Middle Eastern, 0.016%; no homozygotes.

Submissions (2):

Labcorp Genetics (formerly Invitae), Labcorp
Classification: Uncertain significance for Autosomal recessive limb-girdle muscular dystrophy type 2O; Muscular dystrophy-dystroglycanopathy (congenital with impaired intellectual development), type B, 3. Last evaluated: 2022-06-02. Review status: criteria provided, single submitter. Criteria: Invitae Variant Classification Sherloc (09022015). Collection method: clinical testing. Allele origin: germline.
Comment: This sequence change replaces arginine, which is basic and polar, with tryptophan, which is neutral and slightly polar, at codon 89 of the POMGNT1 protein (p.Arg89Trp). This variant is present in population databases (rs143033200, gnomAD 0.007%). This variant has not been reported in the literature in individuals affected with POMGNT1-related conditions. Advanced modeling of protein sequence and biophysical properties (such as structural, functional, and spatial information, amino acid conservation, physicochemical variation, residue mobility, and thermodynamic stability) performed at Invitae indicates that this missense variant is not expected to disrupt POMGNT1 protein function. Algorithms developed to predict the effect of sequence changes on RNA splicing suggest that this variant may disrupt the consensus splice site. In summary, the available evidence is currently insufficient to determine the role of this variant in disease. Therefore, it has been classified as a Variant of Uncertain Significance.

Ambry Genetics
Classification: Uncertain significance for Inborn genetic diseases. Last evaluated: 2021-12-16. Review status: criteria provided, single submitter. Criteria: Ambry Variant Classification Scheme 2023. Collection method: clinical testing. Allele origin: germline.

NM_017739.4(POMGNT1):c.265C>T (p.Arg89Trp)

Gene: POMGNT1 (protein O-linked mannose N-acetylglucosaminyltransferase 1 (beta 1,2-); minus strand). Cytogenetic location: 1p34.1.
Variant type: single nucleotide variant.
Coding change: c.265C>T on transcript NM_017739.4 (MANE Select); coding-DNA position 265, C replaced by T.
Protein change: p.Arg89Trp; replaces arginine 89 with tryptophan.
Molecular consequence: missense variant. On other transcripts: 5 prime UTR variant (1).
Genome position (GRCh38, 1-based): chr1:46,196,820, G>A on the plus strand (C>T on the coding strand, the complement: POMGNT1 is on the minus strand). VCF-style: chr1-46196820-G-A. GRCh37 (hg19) VCF-style: chr1-46662492-G-A.
Other names: c.265C>T, p.Arg89Trp (NM_001243766.2, NM_001410783.1); c.199C>T, p.Arg67Trp (NM_001290129.3); c.-165C>T (NM_001290130.2); short protein forms R67W, R89W.
Identifiers: ClinVar variation 1976643 (VCV001976643.3), dbSNP rs143033200, ClinGen allele CA833806.